The following is an entry in ClinVar:

ClinVar aggregate classification (germline): Uncertain significance (1 of 4 stars; one submission).

gnomAD v4.1: 3 of 1,613,582 alleles (0.00019%); highest among the groups gnomAD compares: East Asian, 0.0045%; no homozygotes.

Submission:

Dasa
Classification: Uncertain significance. Last evaluated: 2026-02-09. Review status: criteria provided, single submitter. Criteria: DASA Assertion Criteria. Collection method: clinical testing. Allele origin: germline.
Comment: NM_006267.5(RANBP2):c.4718G>C (p.Ser1573Thr) is a missense variant that results in the substitution of serine with threonine. This variant is rare in population databases. Computational prediction algorithms are consistent with a benign effect. The currently available literature and clinical evidence are not sufficient to establish a definitive association between this variant and the reported condition. Therefore, this variant is classified as a variant of uncertain significance.

NM_006267.5(RANBP2):c.4718G>C (p.Ser1573Thr)

Gene: RANBP2 (RAN binding protein 2; plus strand). Cytogenetic location: 2q13.
Variant type: single nucleotide variant.
Coding change: c.4718G>C on transcript NM_006267.5 (MANE Select); coding-DNA position 4718, G replaced by C.
Protein change: p.Ser1573Thr; replaces serine 1573 with threonine.
Molecular consequence: missense variant.
Genome position (GRCh38, 1-based): chr2:108,765,257, G>C. VCF-style: chr2-108765257-G-C. GRCh37 (hg19) VCF-style: chr2-109381713-G-C.
Other names: c.4718G>C, p.Ser1573Thr (NM_001415871.1, NM_001415873.1); c.4715G>C, p.Ser1572Thr (NM_001415872.1); short protein forms S1572T, S1573T.
Identifiers: ClinVar variation 4881961 (VCV004881961.2).